The following is an entry in ClinVar:

ClinVar aggregate classification (germline): Uncertain significance (1 of 4 stars; one submission).

gnomAD v4.1: 125 of 1,613,494 alleles (0.0077%); highest among the groups gnomAD compares: Non-Finnish European, 0.01%; no homozygotes.

Submission:

Labcorp Genetics (formerly Invitae), Labcorp
Classification: Uncertain significance. Last evaluated: 2025-03-17. Review status: criteria provided, single submitter. Criteria: Invitae Variant Classification Sherloc (09022015). Collection method: clinical testing. Allele origin: germline.
Comment: This sequence change replaces alanine, which is neutral and non-polar, with threonine, which is neutral and polar, at codon 1194 of the ACE protein (p.Ala1194Thr). This variant is present in population databases (rs755506668, gnomAD 0.005%). This variant has not been reported in the literature in individuals affected with ACE-related conditions. ClinVar contains an entry for this variant (Variation ID: 2698160). Invitae Evidence Modeling of protein sequence and biophysical properties (such as structural, functional, and spatial information, amino acid conservation, physicochemical variation, residue mobility, and thermodynamic stability) indicates that this missense variant is not expected to disrupt ACE protein function with a negative predictive value of 80%. In summary, the available evidence is currently insufficient to determine the role of this variant in disease. Therefore, it has been classified as a Variant of Uncertain Significance.

NM_000789.4(ACE):c.3580G>A (p.Ala1194Thr)

Gene: ACE (angiotensin I converting enzyme; plus strand). Cytogenetic location: 17q23.3.
Variant type: single nucleotide variant.
Coding change: c.3580G>A on transcript NM_000789.4 (MANE Select); coding-DNA position 3580, G replaced by A.
Protein change: p.Ala1194Thr; replaces alanine 1194 with threonine.
Molecular consequence: missense variant. On other transcripts: non-coding transcript variant (1).
Genome position (GRCh38, 1-based): chr17:63,496,874, G>A. VCF-style: chr17-63496874-G-A. GRCh37 (hg19) VCF-style: chr17-61574235-G-A.
Other names: c.1735G>A, p.Ala579Thr (NM_001178057.2); c.3013G>A, p.Ala1005Thr (NM_001382700.1); c.2728G>A, p.Ala910Thr (NM_001382701.1); c.1195G>A, p.Ala399Thr (NM_001382702.1); c.1858G>A, p.Ala620Thr (NM_152830.3); short protein forms A1005T, A1194T, A620T, A399T, A579T, A910T.
Identifiers: ClinVar variation 2698160 (VCV002698160.2), dbSNP rs755506668, ClinGen allele CA8700557.